The following is an entry in ClinVar:

NM_006939.4(SOS2):c.1195G>C (p.Gly399Arg)

Gene: SOS2 (SOS Ras/Rho guanine nucleotide exchange factor 2; minus strand). Cytogenetic location: 14q21.3.
Variant type: single nucleotide variant.
Coding change: c.1195G>C on transcript NM_006939.4 (MANE Select); coding-DNA position 1195, G replaced by C.
Protein change: p.Gly399Arg; replaces glycine 399 with arginine.
Molecular consequence: missense variant.
Genome position (GRCh38, 1-based): chr14:50,161,483, C>G on the plus strand (G>C on the coding strand, the complement: SOS2 is on the minus strand). VCF-style: chr14-50161483-C-G. GRCh37 (hg19) VCF-style: chr14-50628201-C-G.
Other names: c.1096G>C, p.Gly366Arg (NM_001411020.1); c.1195G>C (NM_006939.2); short protein forms G399R, G366R.
Identifiers: ClinVar variation 2129199 (VCV002129199.5), dbSNP rs1885007465, ClinGen allele CA389646361.
Genomic context (GRCh38, chr14:50,161,483, plus strand): 5'-AGGCATCAGAGACAGCGAAGTAAGCAGAGGCATTCACGTTTTCAACACTTTGGAATTACC[C>G]AGGTCGACGTCTAGGTGAATACTGCTTGTAAATTCGGTCCATGCTACCTTGGAGATTCAT-3'
Protein context (NP_008870.2, residues 389-409): YKQYSPRRRP[Gly399Arg]DPVCPFYSHQ

ClinVar aggregate classification (germline): Uncertain significance. Review status: criteria provided, multiple submitters, no conflicts (2 of 4 stars). 2 submissions from 2 submitters: Uncertain significance (2). Last evaluated 2024-08-29.

Conditions:
Cardiovascular phenotype. Identifiers: MedGen CN230736.
Noonan syndrome 9 (NS9). Identifiers: Orphanet 648, MedGen C4225282, MONDO:0014691, OMIM 616559.

Allele frequency attached by ClinVar (database versions not stated): gnomAD exomes below 0.00001; TOPMed 0.00001.
gnomAD v4.1: 1 of 1,609,018 alleles (0.000062%); highest among the groups gnomAD compares: African/African-American, 0.0013%; no homozygotes.

Submissions (2):

Ambry Genetics
Classification: Uncertain significance for Cardiovascular phenotype. Last evaluated: 2024-08-29. Review status: criteria provided, single submitter. Criteria: Ambry Variant Classification Scheme 2023. Collection method: clinical testing. Allele origin: germline.

Labcorp Genetics (formerly Invitae), Labcorp
Classification: Uncertain significance for Noonan syndrome 9. Last evaluated: 2022-04-22. Review status: criteria provided, single submitter. Criteria: Invitae Variant Classification Sherloc (09022015). Collection method: clinical testing. Allele origin: germline.
Comment: In summary, the available evidence is currently insufficient to determine the role of this variant in disease. Therefore, it has been classified as a Variant of Uncertain Significance. Algorithms developed to predict the effect of missense changes on protein structure and function are either unavailable or do not agree on the potential impact of this missense change (SIFT: "Deleterious"; PolyPhen-2: "Benign"; Align-GVGD: "Class C0"). This variant has not been reported in the literature in individuals affected with SOS2-related conditions. This variant is not present in population databases (gnomAD no frequency). This sequence change replaces glycine, which is neutral and non-polar, with arginine, which is basic and polar, at codon 399 of the SOS2 protein (p.Gly399Arg).